The following is an entry in ClinVar:

NM_004006.3(DMD):c.859G>T (p.Glu287Ter)

Gene: DMD (dystrophin; minus strand). Cytogenetic location: Xp21.1.
Variant type: single nucleotide variant.
Coding change: c.859G>T on transcript NM_004006.3 (MANE Select); coding-DNA position 859, G replaced by T.
Protein change: p.Glu287Ter; replaces glutamic acid 287 with a stop codon.
Molecular consequence: nonsense.
Genome position (GRCh38, 1-based): chrX:32,697,971, C>A on the plus strand (G>T on the coding strand, the complement: DMD is on the minus strand). VCF-style: chrX-32697971-C-A. GRCh37 (hg19) VCF-style: chrX-32716088-C-A.
Other names: c.835G>T, p.Glu279Ter (NM_000109.4); c.847G>T, p.Glu283Ter (NM_004009.3); c.490G>T, p.Glu164Ter (NM_004010.3); short protein forms E283*, E287*, E164*, E279*.
Identifiers: ClinVar variation 1763983 (VCV001763983.7), dbSNP rs2521104156, ClinGen allele CA412668692.
Genomic context (GRCh38, chrX:32,697,971, plus strand): 5'-CATAAGCAGCCTGTGTGTAGGCATAGCTCTTGAATCGAGGCTTAGGGGAAGAAGTTCTCT[C>A]ATATCCCTGTGCTAGACTGACCGTGATCTGCAGAGAAGGGTTTGGGGGAGTGGATAGAGA-3'

ClinVar aggregate classification (germline): Pathogenic. Review status: criteria provided, multiple submitters, no conflicts (2 of 4 stars). 2 submissions from 2 submitters: Pathogenic (2). Last evaluated 2022-04-06.

Conditions:
Duchenne muscular dystrophy (DMD). Also called: MUSCULAR DYSTROPHY, PSEUDOHYPERTROPHIC PROGRESSIVE, DUCHENNE TYPE; Duchenne Muscular Dystrophy (DMD). Identifiers: Orphanet 98896, MedGen C0013264, MONDO:0010679, OMIM 310200.
Cardiovascular phenotype. Identifiers: MedGen CN230736.

Submissions (2):

Labcorp Genetics (formerly Invitae), Labcorp
Classification: Pathogenic for Duchenne muscular dystrophy. Last evaluated: 2022-04-06. Review status: criteria provided, single submitter. Criteria: Invitae Variant Classification Sherloc (09022015). Collection method: clinical testing. Allele origin: germline.
Comment: This variant has not been reported in the literature in individuals affected with DMD-related conditions. For these reasons, this variant has been classified as Pathogenic. Algorithms developed to predict the effect of sequence changes on RNA splicing suggest that this variant may disrupt the consensus splice site. This variant is not present in population databases (gnomAD no frequency). This sequence change creates a premature translational stop signal (p.Glu287*) in the DMD gene. It is expected to result in an absent or disrupted protein product. Loss-of-function variants in DMD are known to be pathogenic (PMID: 16770791, 25007885).

Ambry Genetics
Classification: Pathogenic for Cardiovascular phenotype. Last evaluated: 2018-12-04. Review status: criteria provided, single submitter. Criteria: Ambry Variant Classification Scheme 2023. Collection method: clinical testing. Allele origin: germline.
Comment: The p.E287* pathogenic mutation (also known as c.859G>T), located in coding exon 9 of the DMD gene, results from a G to T substitution at nucleotide position 859. This changes the amino acid from a glutamic acid to a stop codon within coding exon 9. RNA studies across a variety of tissue types have demonstrated that variable splicing can occur in this region, with skipping of exon 9 leading to variability in expression and clinical phenotype (Rininsland F et al. J. Med. Genet., 1992 Sep;29:647-51; Reiss J et al. Hum. Mol. Genet., 1994 Feb;3:295-8). This alteration is expected to result in loss of function by premature protein truncation or nonsense-mediated mRNA decay. As such, this alteration is interpreted as a disease-causing mutation.

Literature cited by the submitters: PubMed 16770791 (cited by Labcorp Genetics (formerly Invitae), Labcorp); PubMed 25007885 (cited by Labcorp Genetics (formerly Invitae), Labcorp); PubMed 1383546 (cited by Ambry Genetics); PubMed 8004097 (cited by Ambry Genetics).